The following is an entry in ClinVar:

ClinVar aggregate classification (germline): Uncertain significance (1 of 4 stars; one submission).

Conditions:
Emery-Dreifuss muscular dystrophy 4, autosomal dominant (EDMD4). Also called: EMERY-DREIFUSS MUSCULAR DYSTROPHY 4 WITH VARIABLE FEATURES. Identifiers: Orphanet 261, MedGen C2751807, MONDO:0013071, OMIM 612998.
Autosomal recessive ataxia, Beauce type. Also called: SYNE1-Related Autosomal Recessive Cerebellar Ataxia; SYNE1 Deficiency; Spinocerebellar ataxia, autosomal recessive 8; ATAXIA, RECESSIVE, OF BEAUCE. Identifiers: Orphanet 88644, MedGen C1853116, MONDO:0012549, OMIM 610743.

Allele frequency attached by ClinVar (database versions not stated): gnomAD exomes below 0.00001; gnomAD 0.00001; TOPMed 0.00001.
gnomAD v4.1: 2 of 1,613,780 alleles (0.00012%); highest among the groups gnomAD compares: Admixed American, 0.0017%; no homozygotes.

Submission:

Labcorp Genetics (formerly Invitae), Labcorp
Classification: Uncertain significance for Emery-Dreifuss muscular dystrophy 4, autosomal dominant; Autosomal recessive ataxia, Beauce type. Last evaluated: 2022-08-08. Review status: criteria provided, single submitter. Criteria: Invitae Variant Classification Sherloc (09022015). Collection method: clinical testing. Allele origin: germline.
Comment: This sequence change replaces glutamine, which is neutral and polar, with arginine, which is basic and polar, at codon 2099 of the SYNE1 protein (p.Gln2099Arg). This variant is not present in population databases (gnomAD no frequency). This variant has not been reported in the literature in individuals affected with SYNE1-related conditions. Algorithms developed to predict the effect of missense changes on protein structure and function are either unavailable or do not agree on the potential impact of this missense change (SIFT: "Deleterious"; PolyPhen-2: "Benign"; Align-GVGD: "Class C35"). In summary, the available evidence is currently insufficient to determine the role of this variant in disease. Therefore, it has been classified as a Variant of Uncertain Significance.

NM_182961.4(SYNE1):c.6275A>G (p.Gln2092Arg)

Gene: SYNE1 (spectrin repeat containing nuclear envelope protein 1; minus strand). Cytogenetic location: 6q25.2.
Variant type: single nucleotide variant.
Coding change: c.6275A>G on transcript NM_182961.4 (MANE Select); coding-DNA position 6275, A replaced by G.
Protein change: p.Gln2092Arg; replaces glutamine 2092 with arginine.
Molecular consequence: missense variant.
Genome position (GRCh38, 1-based): chr6:152,409,665, T>C on the plus strand (A>G on the coding strand, the complement: SYNE1 is on the minus strand). VCF-style: chr6-152409665-T-C. GRCh37 (hg19) VCF-style: chr6-152730800-T-C.
Other names: c.6296A>G, p.Gln2099Arg (NM_033071.5); short protein forms Q2092R, Q2099R.
Identifiers: ClinVar variation 1926412 (VCV001926412.4), dbSNP rs1289475322, ClinGen allele CA366127574.